The following is an entry in ClinVar:

ClinVar aggregate classification (germline): Pathogenic (1 of 4 stars; one submission).

Conditions:
Hereditary cancer-predisposing syndrome. Also called: Tumor predisposition; Hereditary Cancer Syndrome; Hereditary neoplastic syndrome; Neoplastic Syndromes, Hereditary. Identifiers: Orphanet 140162, MedGen C0027672, MeSH D009386, MONDO:0015356.

Submission:

Ambry Genetics
Classification: Pathogenic for Hereditary cancer-predisposing syndrome. Last evaluated: 2023-06-20. Review status: criteria provided, single submitter. Criteria: Ambry Variant Classification Scheme 2023. Collection method: clinical testing. Allele origin: germline.
Comment: The c.435delCinsTT pathogenic mutation, located in coding exon 1 of the MEN1 gene, results from the deletion of one nucleotide and insertion of two nucleotides causing a translational frameshift with a predicted alternate stop codon (p.I147Hfs*33). This alteration is expected to result in loss of function by premature protein truncation or nonsense-mediated mRNA decay. As such, this alteration is interpreted as a disease-causing mutation.

NM_001370259.2(MEN1):c.435delinsTT (p.Ile147fs)

Gene: MEN1 (menin 1; minus strand). Cytogenetic location: 11q13.1.
Variant type: Indel.
Coding change: c.435delinsTT on transcript NM_001370259.2 (MANE Select); coding-DNA position 435, C replaced by TT.
Protein change: p.Ile147fs; shifts the reading frame from isoleucine 147.
Molecular consequence: frameshift variant. On other transcripts: non-coding transcript variant (4).
Genome position (GRCh38, 1-based): chr11:64,809,675, G replaced by AA on the plus strand (C replaced by TT on the coding strand, the reverse complement: MEN1 is on the minus strand). VCF-style: chr11-64809675-G-AA. GRCh37 (hg19) VCF-style: chr11-64577147-G-AA.
Other names: c.435delinsTT, p.Ile147fs (NM_000244.4, NM_001370251.2, NM_001370260.2 and 20 more transcripts); short protein forms I147fs.
Identifiers: ClinVar variation 2626586 (VCV002626586.2), dbSNP rs2497255851, ClinGen allele CA2582341667.